The following is an entry in ClinVar:

NM_174936.4(PCSK9):c.400-10G>A

Gene: PCSK9 (proprotein convertase subtilisin/kexin type 9; plus strand). Cytogenetic location: 1p32.3.
Variant type: single nucleotide variant.
Coding change: c.400-10G>A on transcript NM_174936.4 (MANE Select); 10 bases into the intron before coding-DNA position 400, G replaced by A.
Molecular consequence: intron variant.
Genome position (GRCh38, 1-based): chr1:55,046,513, G>A. VCF-style: chr1-55046513-G-A. GRCh37 (hg19) VCF-style: chr1-55512186-G-A.
Other names: c.25-10G>A (NM_001407246.1); c.523-10G>A (NM_001407240.1); c.400-10G>A (NM_001407242.1, NM_001407241.1, NM_001407244.1 and 1 more transcripts); c.400-67G>A (NM_001407243.1); c.208-10G>A (NM_001407245.1).
Identifiers: ClinVar variation 3070717 (VCV003070717.2), dbSNP rs758153644, ClinGen allele CA041922.

ClinVar aggregate classification (germline): Likely benign. Review status: criteria provided, multiple submitters, no conflicts (2 of 4 stars). 2 submissions from 2 submitters: Likely benign (2). Last evaluated 2025-09-28.

Conditions:
Hypercholesterolemia, autosomal dominant, 3 (FHCL3). Also called: Familial Hypercholesterolemia, Autosomal Dominant, 3; PCSK9-Related Familial Hypercholesterolemia, Autosomal Dominant; Familial hypercholesterolemia 3. Identifiers: MedGen C1863551, MONDO:0011369, OMIM 603776.

Allele frequency attached by ClinVar (database versions not stated): gnomAD exomes below 0.00001; gnomAD 0.00001; ExAC 0.00002; TOPMed 0.00004.
gnomAD v4.1: 3 of 1,614,046 alleles (0.00019%); highest among the groups gnomAD compares: African/African-American, 0.004%; no homozygotes.

Submissions (2):

Labcorp Genetics (formerly Invitae), Labcorp
Classification: Likely benign for Hypercholesterolemia, autosomal dominant, 3. Last evaluated: 2025-09-28. Review status: criteria provided, single submitter. Criteria: Invitae Variant Classification Sherloc (09022015). Collection method: clinical testing. Allele origin: germline.

All of Us Research Program, National Institutes of Health
Classification: Likely benign for Hypercholesterolemia, autosomal dominant, 3. Last evaluated: 2023-08-15. Review status: criteria provided, single submitter. Criteria: ACMG Guidelines, 2015. Collection method: clinical testing. Allele origin: germline. Inheritance: Autosomal dominant inheritance. Observed: 2 variant alleles, 2 heterozygotes.
Comment: This study involves interpretation of variants in research participants for the purpose of population health screening. Participant phenotype was not available at the time of variant classification. Additional details can be found in publication PMID: 35346344, PMCID: PMC8962531